The following is an entry in ClinVar:

NM_198253.3(TERT):c.2414T>C (p.Leu805Pro)

Gene: TERT (telomerase reverse transcriptase; minus strand). Cytogenetic location: 5p15.33.
Variant type: single nucleotide variant.
Coding change: c.2414T>C on transcript NM_198253.3 (MANE Select); coding-DNA position 2414, T replaced by C.
Protein change: p.Leu805Pro; replaces leucine 805 with proline.
Molecular consequence: missense variant.
Genome position (GRCh38, 1-based): chr5:1,271,173, A>G on the plus strand (T>C on the coding strand, the complement: TERT is on the minus strand). VCF-style: chr5-1271173-A-G. GRCh37 (hg19) VCF-style: chr5-1271288-A-G.
Other names: c.2414T>C, p.Leu805Pro (NM_001193376.3); short protein forms L805P.
Identifiers: ClinVar variation 3455151 (VCV003455151.1).

ClinVar aggregate classification (germline): Uncertain significance (1 of 4 stars; one submission).

Conditions:
Dyskeratosis congenita. Identifiers: Orphanet 1775, MedGen C0265965, MONDO:0015780.

Submission:

Ambry Genetics
Classification: Uncertain significance for Dyskeratosis congenita. Last evaluated: 2024-06-25. Review status: criteria provided, single submitter. Criteria: Ambry Variant Classification Scheme 2023. Collection method: clinical testing. Allele origin: germline.
Comment: The p.L805P variant (also known as c.2414T>C), located in coding exon 8 of the TERT gene, results from a T to C substitution at nucleotide position 2414. The leucine at codon 805 is replaced by proline, an amino acid with similar properties. This amino acid position is conserved. In addition, this alteration is predicted to be deleterious by in silico analysis. Based on the available evidence, the clinical significance of this variant remains unclear.